The following is an entry in ClinVar:

ClinVar aggregate classification (germline): Conflicting classifications of pathogenicity. Review status: criteria provided, conflicting classifications (1 of 4 stars). 2 submissions from 2 submitters: Uncertain significance (1); Likely benign (1). Last evaluated 2025-06-07.

Conditions:
Inborn genetic diseases. Identifiers: MedGen C0950123, MeSH D030342.

Allele frequency attached by ClinVar (database versions not stated): ExAC 0.00001; TOPMed 0.00002; gnomAD exomes 0.00001.
gnomAD v4.1: 17 of 1,613,718 alleles (0.0011%); highest among the groups gnomAD compares: Admixed American, 0.012%; no homozygotes.

Submissions (2):

Ambry Genetics
Classification: Likely benign for Inborn genetic diseases. Last evaluated: 2025-06-07. Review status: criteria provided, single submitter. Criteria: Ambry Variant Classification Scheme 2023. Collection method: clinical testing. Allele origin: germline.

Labcorp Genetics (formerly Invitae), Labcorp
Classification: Uncertain significance. Last evaluated: 2022-06-15. Review status: criteria provided, single submitter. Criteria: Invitae Variant Classification Sherloc (09022015). Collection method: clinical testing. Allele origin: germline.
Comment: This sequence change replaces proline, which is neutral and non-polar, with serine, which is neutral and polar, at codon 3192 of the PCLO protein (p.Pro3192Ser). This variant is present in population databases (rs761690122, gnomAD 0.01%). This variant has not been reported in the literature in individuals affected with PCLO-related conditions. Algorithms developed to predict the effect of missense changes on protein structure and function output the following: SIFT: "Tolerated"; PolyPhen-2: "Not Available"; Align-GVGD: "Class C0". The serine amino acid residue is found in multiple mammalian species, which suggests that this missense change does not adversely affect protein function. In summary, the available evidence is currently insufficient to determine the role of this variant in disease. Therefore, it has been classified as a Variant of Uncertain Significance.

NM_033026.6(PCLO):c.9574C>T (p.Pro3192Ser)

Gene: PCLO (piccolo presynaptic cytomatrix protein; minus strand). Cytogenetic location: 7q21.11.
Variant type: single nucleotide variant.
Coding change: c.9574C>T on transcript NM_033026.6 (MANE Select); coding-DNA position 9574, C replaced by T.
Protein change: p.Pro3192Ser; replaces proline 3192 with serine.
Molecular consequence: missense variant.
Genome position (GRCh38, 1-based): chr7:82,951,014, G>A on the plus strand (C>T on the coding strand, the complement: PCLO is on the minus strand). VCF-style: chr7-82951014-G-A. GRCh37 (hg19) VCF-style: chr7-82580330-G-A.
Other names: c.9574C>T, p.Pro3192Ser (NM_014510.3); c.9574C>T (NM_033026.5); short protein forms P3192S.
Identifiers: ClinVar variation 1927332 (VCV001927332.3), dbSNP rs761690122, ClinGen allele CA4319893.